The following is an entry in ClinVar:

NM_000321.3(RB1):c.526_532del (p.Gln176fs)

Gene: RB1 (RB transcriptional corepressor 1; plus strand). Cytogenetic location: 13q14.2.
Variant type: Deletion.
Coding change: c.526_532del on transcript NM_000321.3 (MANE Select); coding-DNA positions 526 to 532, 7 bases deleted (CAACCCA; older notation c.526_532delCAACCCA).
Protein change: p.Gln176fs; shifts the reading frame from glutamine 176.
Molecular consequence: frameshift variant.
Genome position (GRCh38, 1-based): chr13:48,347,850-48,347,856, CAACCCA deleted; deleting any 7 consecutive bases within chr13:48,347,848-48,347,856 gives the same sequence; the c. name uses the placement nearest the transcript's 3' end. VCF-style (leftmost placement, unchanged base first): chr13-48347847-ACACAACC-A. GRCh37 (hg19) VCF-style: chr13-48921983-ACACAACC-A.
Other names: short protein forms Q176fs.
Identifiers: ClinVar variation 834926 (VCV000834926.7), dbSNP rs1952511865, ClinGen allele CA916081683.
Genomic context (GRCh38, chr13:48,347,847, plus strand): 5'-GAAAAAATGTTAAAAAGTCATAATGTTTTTCTTTTCAGGACATGTGAACTTATATATTTG[ACACAACC>A]CAGCAGTTCGTAAGTAGTTCACAGAATGTTATTTTTCACTTAAAAAAAAAGATTTTTATG-3'

ClinVar aggregate classification (germline): Pathogenic (1 of 4 stars; one submission).

Conditions:
Retinoblastoma (RB1). Also called: RETINOBLASTOMA, SOMATIC. Identifiers: Orphanet 790, MedGen C0035335, MeSH D012175, MONDO:0008380, OMIM 180200, HP:0009919. Disease mechanism: loss of function. Inheritance: Both sporadic and heritable forms are tested..

Submission:

Labcorp Genetics (formerly Invitae), Labcorp
Classification: Pathogenic for Retinoblastoma. Last evaluated: 2019-03-07. Review status: criteria provided, single submitter. Criteria: Invitae Variant Classification Sherloc (09022015). Collection method: clinical testing. Allele origin: germline.
Comment: For these reasons, this variant has been classified as Pathogenic. Loss-of-function variants in RB1 are known to be pathogenic (PMID: 17096365). This variant has not been reported in the literature in individuals with RB1-related conditions. This variant is not present in population databases (ExAC no frequency). This sequence change creates a premature translational stop signal (p.Gln176Alafs*8) in the RB1 gene. It is expected to result in an absent or disrupted protein product.

Literature cited by the submitters: PubMed 17096365.